The following is an entry in ClinVar:

ClinVar aggregate classification (germline): Conflicting classifications of pathogenicity. Review status: criteria provided, conflicting classifications (1 of 4 stars). 2 submissions from 2 submitters: Uncertain significance (1); Likely benign (1). Last evaluated 2025-04-18.

Conditions:
Gorlin syndrome. Also called: Nevoid Basal Cell Carcinoma Syndrome; Basal cell nevus syndrome. Identifiers: Orphanet 377, MedGen C0004779, MONDO:0007187.
Hereditary cancer-predisposing syndrome. Also called: Neoplastic Syndromes, Hereditary; Tumor predisposition; Hereditary Cancer Syndrome; Hereditary neoplastic syndrome. Identifiers: Orphanet 140162, MedGen C0027672, MeSH D009386, MONDO:0015356.

Allele frequency attached by ClinVar (database versions not stated): gnomAD exomes below 0.00001.
gnomAD v4.1: 3 of 1,613,476 alleles (0.00019%); highest among the groups gnomAD compares: East Asian, 0.0022%; no homozygotes.

Submissions (2):

Labcorp Genetics (formerly Invitae), Labcorp
Classification: Uncertain significance for Gorlin syndrome. Last evaluated: 2025-04-18. Review status: criteria provided, single submitter. Criteria: Invitae Variant Classification Sherloc (09022015). Collection method: clinical testing. Allele origin: germline.
Comment: This sequence change affects codon 1299 of the PTCH1 mRNA. It is a 'silent' change, meaning that it does not change the encoded amino acid sequence of the PTCH1 protein. This variant is not present in population databases (gnomAD no frequency). This variant has not been reported in the literature in individuals affected with PTCH1-related conditions. ClinVar contains an entry for this variant (Variation ID: 1735949). Algorithms developed to predict the effect of sequence changes on RNA splicing suggest that this variant may create or strengthen a splice site. In summary, the available evidence is currently insufficient to determine the role of this variant in disease. Therefore, it has been classified as a Variant of Uncertain Significance.

Ambry Genetics
Classification: Likely benign for Hereditary cancer-predisposing syndrome. Last evaluated: 2020-08-24. Review status: criteria provided, single submitter. Criteria: Ambry Variant Classification Scheme 2023. Collection method: clinical testing. Allele origin: germline.

NM_000264.5(PTCH1):c.3897C>T (p.Gly1299=)

Gene: PTCH1 (patched 1; minus strand). Cytogenetic location: 9q22.32.
Variant type: single nucleotide variant.
Coding change: c.3897C>T on transcript NM_000264.5 (MANE Select); coding-DNA position 3897, C replaced by T.
Protein change: p.Gly1299=; no amino-acid change (glycine 1299 retained).
Molecular consequence: synonymous variant. On other transcripts: non-coding transcript variant (1).
Genome position (GRCh38, 1-based): chr9:95,447,359, G>A on the plus strand (C>T on the coding strand, the complement: PTCH1 is on the minus strand). VCF-style: chr9-95447359-G-A. GRCh37 (hg19) VCF-style: chr9-98209641-G-A.
Other names: c.3699C>T, p.Gly1233= (NM_001083602.3); c.3894C>T, p.Gly1298= (NM_001083603.3); c.3444C>T, p.Gly1148= (NM_001083604.3, NM_001083605.3, NM_001083606.3 and 1 more transcripts); c.3741C>T, p.Gly1247= (NM_001354918.2).
Identifiers: ClinVar variation 1735949 (VCV001735949.5), dbSNP rs2136582679, ClinGen allele CA466351711.
Genomic context (GRCh38, chr9:95,447,359, plus strand): 5'-GCGCGGTCTGTAGGGGGGTGGCCACAAGCCTTCTCTGGGGGGGTCCCTGCGGGGCTGCTG[G>A]CCTTGCCGTCCGGGAGGCAGGGACCCTGAGTCCAGGTGGGGCTGCTGTCTCGGGTTCGAG-3'
Protein context (NP_000255.2, residues 1289-1309): DSGSLPPGRQ[Gly1299=]QQPRRDPPRE